The following is an entry in ClinVar:

NM_000053.4(ATP7B):c.2795C>A (p.Ser932Ter)

Gene: ATP7B (ATPase copper transporting beta; minus strand). Cytogenetic location: 13q14.3.
Variant type: single nucleotide variant.
Coding change: c.2795C>A on transcript NM_000053.4 (MANE Select); coding-DNA position 2795, C replaced by A.
Protein change: p.Ser932Ter; replaces serine 932 with a stop codon.
Molecular consequence: nonsense. On other transcripts: intron variant (1).
Genome position (GRCh38, 1-based): chr13:51,949,732, G>T on the plus strand (C>A on the coding strand, the complement: ATP7B is on the minus strand). VCF-style: chr13-51949732-G-T. GRCh37 (hg19) VCF-style: chr13-52523868-G-T.
Other names: c.2462C>A, p.Ser821Ter (NM_001243182.2); c.2561C>A, p.Ser854Ter (NM_001330578.2); c.2543C>A, p.Ser848Ter (NM_001330579.2); c.2244+275C>A (NM_001005918.3); short protein forms S932*, S821*, S854*, S848*.
Identifiers: ClinVar variation 633075 (VCV000633075.17), dbSNP rs1566498495, ClinGen allele CA388033637.

ClinVar aggregate classification (germline): Pathogenic. Review status: criteria provided, multiple submitters, no conflicts (2 of 4 stars). 9 submissions from 9 submitters: Pathogenic (8). 1 of the submissions does not count toward it. Last evaluated 2025-09-10.

Conditions:
Wilson disease (WND). Also called: Wilson's disease. Identifiers: Orphanet 905, MedGen C0019202, MONDO:0010200, OMIM 277900. Disease mechanism: loss of function.

Allele frequency attached by ClinVar (database versions not stated): TOPMed below 0.00001.

Submissions (9):

Color Diagnostics, LLC DBA Color Health
Classification: Pathogenic for Wilson disease. Last evaluated: 2025-09-10. Review status: criteria provided, single submitter. Criteria: ACMG Guidelines, 2015. Collection method: clinical testing. Allele origin: germline.
Comment: This variant changes 1 nucleotide in exon 12 of the ATP7B gene, creating a premature translation stop signal. This variant is expected to result in an absent or non-functional protein product. This variant has been observed in individuals affected with autosomal recessive Wilson disease (PMID: 15024742, 15952988), indicating that this variant contributes to disease. This variant has not been identified in the general population by the Genome Aggregation Database (gnomAD). Loss of ATP7B function is a known mechanism of disease. Based on the available evidence, this variant is classified as Pathogenic.

Baylor Genetics
Classification: Pathogenic for Wilson disease. Last evaluated: 2024-01-24. Review status: criteria provided, single submitter. Criteria: ACMG Guidelines, 2015. Collection method: clinical testing. Allele origin: unknown.

Labcorp Genetics (formerly Invitae), Labcorp
Classification: Pathogenic for Wilson disease. Last evaluated: 2023-02-17. Review status: criteria provided, single submitter. Criteria: Invitae Variant Classification Sherloc (09022015). Collection method: clinical testing. Allele origin: germline.
Comment: This sequence change creates a premature translational stop signal (p.Ser932*) in the ATP7B gene. It is expected to result in an absent or disrupted protein product. Loss-of-function variants in ATP7B are known to be pathogenic (PMID: 10441329, 16283883). This variant is not present in population databases (gnomAD no frequency). This premature translational stop signal has been observed in individual(s) with Wilson disease (PMID: 15024742, 15952988). ClinVar contains an entry for this variant (Variation ID: 633075). Algorithms developed to predict the effect of sequence changes on RNA splicing suggest that this variant may disrupt the consensus splice site. For these reasons, this variant has been classified as Pathogenic.

Dasa
Classification: Pathogenic for Wilson disease. Last evaluated: 2022-03-05. Review status: criteria provided, single submitter. Criteria: ACMG Guidelines, 2015. Collection method: clinical testing. Allele origin: germline. Affected: yes. Observed: 1 variant allele.
Comment: The c.2795C>A;p.(Ser932*) variant creates a premature translational stop signal in the ATP7B gene. It is expected to result in an absent or disrupted protein product - PVS1. This sequence change has been observed in affected individual(s) and ClinVar contains an entry for this variant (ClinVar ID: 633075; PMID: 15024742; PMID: 15952988) - PS4. This variant is not present in population databases (rs1566498495- gnomAD; ABraOM no frequency) - PM2. The p.(Ser932*) was detected in trans with a pathogenic variant (PMID: 15024742; PMID: 15952988) - PM3. In summary, the currently available evidence indicates that the variant is pathogenic

Fulgent Genetics
Classification: Pathogenic for Wilson disease. Last evaluated: 2021-12-15. Review status: criteria provided, single submitter. Criteria: ACMG Guidelines, 2015. Collection method: clinical testing. Allele origin: unknown.

Genome-Nilou Lab
Classification: Pathogenic for Wilson disease. Last evaluated: 2021-08-10. Review status: criteria provided, single submitter. Criteria: ACMG Guidelines, 2015. Collection method: clinical testing. Allele origin: germline. Affected: no.

Mendelics
Classification: Pathogenic for Wilson disease. Last evaluated: 2019-05-28. Review status: criteria provided, single submitter. Criteria: Mendelics Assertion Criteria 2017. Collection method: clinical testing. Allele origin: unknown.

Women's Health and Genetics/Laboratory Corporation of America, LabCorp
Classification: Pathogenic for Wilson disease. Last evaluated: 2018-12-14. Review status: criteria provided, single submitter. Criteria: LabCorp Variant Classification Summary - May 2015. Collection method: clinical testing. Allele origin: germline.
Comment: Variant summary: ATP7B c.2795C>A (p.Ser932X) results in a premature termination codon, predicted to cause a truncation of the encoded protein or absence of the protein due to nonsense mediated decay, which are commonly known mechanisms for disease. Truncations downstream of this position have been classified as pathogenic by our laboratory (eg. c.3083_3085delinsG/p.Lys1028fsX40, c.3402delC/p.Ala1135fsX13). The variant was absent in 246110 control chromosomes. c.2795C>A has been reported in the literature in multiple individuals affected with Wilson Disease (Deguti_2004, Margarit_2005). These data indicate that the variant is very likely to be associated with disease. To our knowledge, no experimental evidence demonstrating an impact on protein function has been reported. No clinical diagnostic laboratories have submitted clinical-significance assessments for this variant to ClinVar after 2014. Based on the evidence outlined above, the variant was classified as pathogenic.

Natera, Inc.
Classification: Pathogenic for Wilson disease. Last evaluated: 2021-07-27. Review status: no assertion criteria provided. Collection method: clinical testing. Allele origin: germline. Not counted in ClinVar's aggregate classification.

Literature cited by the submitters: PubMed 15024742 (cited by 4 submitters); PubMed 15952988 (cited by 4 submitters); PubMed 10441329 (cited by Labcorp Genetics (formerly Invitae), Labcorp); PubMed 16283883 (cited by Labcorp Genetics (formerly Invitae), Labcorp).